The following is an entry in ClinVar:

NM_001013838.3(CARMIL2):c.2044C>T (p.Arg682Cys)

Gene: CARMIL2 (capping protein regulator and myosin 1 linker 2; plus strand). Cytogenetic location: 16q22.1.
Variant type: single nucleotide variant.
Coding change: c.2044C>T on transcript NM_001013838.3 (MANE Select); coding-DNA position 2044, C replaced by T.
Protein change: p.Arg682Cys; replaces arginine 682 with cysteine.
Molecular consequence: missense variant.
Genome position (GRCh38, 1-based): chr16:67,649,930, C>T. VCF-style: chr16-67649930-C-T. GRCh37 (hg19) VCF-style: chr16-67683833-C-T.
Other names: c.1936C>T, p.Arg646Cys (NM_001317026.3); short protein forms R646C, R682C.
Identifiers: ClinVar variation 1436740 (VCV001436740.7), dbSNP rs779829689, ClinGen allele CA8113644.

ClinVar aggregate classification (germline): Uncertain significance (1 of 4 stars; one submission).

Allele frequency attached by ClinVar (database versions not stated): ExAC 0.00003.

Submission:

Labcorp Genetics (formerly Invitae), Labcorp
Classification: Uncertain significance. Last evaluated: 2025-11-24. Review status: criteria provided, single submitter. Criteria: Invitae Variant Classification Sherloc (09022015). Collection method: clinical testing. Allele origin: germline.
Comment: This sequence change replaces arginine, which is basic and polar, with cysteine, which is neutral and slightly polar, at codon 682 of the CARMIL2 protein (p.Arg682Cys). This variant is present in population databases (rs779829689, gnomAD 0.06%), including at least one homozygous and/or hemizygous individual. This variant has not been reported in the literature in individuals affected with CARMIL2-related conditions. ClinVar contains an entry for this variant (Variation ID: 1436740). Invitae Evidence Modeling of protein sequence and biophysical properties (such as structural, functional, and spatial information, amino acid conservation, physicochemical variation, residue mobility, and thermodynamic stability) indicates that this missense variant is expected to disrupt CARMIL2 protein function with a positive predictive value of 80%. In summary, the available evidence is currently insufficient to determine the role of this variant in disease. Therefore, it has been classified as a Variant of Uncertain Significance.